The following is an entry in ClinVar:

ClinVar aggregate classification (germline): Pathogenic. Review status: criteria provided, multiple submitters, no conflicts (2 of 4 stars). 2 submissions from 2 submitters: Pathogenic (2). Last evaluated 2025-12-11.

Conditions:
Hereditary cancer-predisposing syndrome. Also called: Tumor predisposition; Neoplastic Syndromes, Hereditary; Hereditary Cancer Syndrome; Hereditary neoplastic syndrome. Identifiers: Orphanet 140162, MedGen C0027672, MeSH D009386, MONDO:0015356.
Cardiovascular phenotype. Identifiers: MedGen CN230736.
Neurofibromatosis, type 1 (NF1). Also called: Neurofibromatosis, type I; NEUROFIBROMATOSIS, TYPE I, SOMATIC; Peripheral type neurofibromatosis; VON RECKLINGHAUSEN DISEASE. Identifiers: Orphanet 636, MedGen C0027831, MONDO:0018975, OMIM 162200. Disease mechanism: loss of function.

Submissions (2):

Ambry Genetics
Classification: Pathogenic for Cardiovascular phenotype; Hereditary cancer-predisposing syndrome. Last evaluated: 2025-12-11. Review status: criteria provided, single submitter. Criteria: Ambry Variant Classification Scheme 2023. Collection method: clinical testing. Allele origin: germline.
Comment: The c.730+1G>C intronic pathogenic mutation results from a G to C substitution one nucleotide after coding exon 7 of the NF1 gene. This variant was reported in individual(s) with features consistent with neurofibromatosis type 1 (Valero MC et al. J Mol Diagn, 2011 Mar;13:113-22; Yao R et al. Genes (Basel), 2019 Oct;10:). This nucleotide position is highly conserved in available vertebrate species. In silico splice site analysis predicts that this alteration will weaken the native splice donor site. RNA studies have demonstrated that this alteration results in skipping of exon 7 (Valero MC et al. J Mol Diagn, 2011 Mar;13:113-22; Ambry internal data). This variant is considered to be rare based on population cohorts in the Genome Aggregation Database (gnomAD). Based on the supporting evidence, this variant is interpreted as a disease-causing mutation.

Labcorp Genetics (formerly Invitae), Labcorp
Classification: Pathogenic for Neurofibromatosis, type 1. Last evaluated: 2023-06-24. Review status: criteria provided, single submitter. Criteria: Invitae Variant Classification Sherloc (09022015). Collection method: clinical testing. Allele origin: germline.
Comment: Algorithms developed to predict the effect of sequence changes on RNA splicing suggest that this variant may disrupt the consensus splice site. For these reasons, this variant has been classified as Pathogenic. ClinVar contains an entry for this variant (Variation ID: 404459). Disruption of this splice site has been observed in individuals with neurofibromatosis type 1 (PMID: 21354044, 31717729; Invitae). This variant is not present in population databases (gnomAD no frequency). This sequence change affects a donor splice site in intron 7 of the NF1 gene. It is expected to disrupt RNA splicing. Variants that disrupt the donor or acceptor splice site typically lead to a loss of protein function (PMID: 16199547), and loss-of-function variants in NF1 are known to be pathogenic (PMID: 10712197, 23913538).

Literature cited by the submitters: PubMed 21354044 (cited by Ambry Genetics and Labcorp Genetics (formerly Invitae), Labcorp); PubMed 31717729 (cited by Ambry Genetics and Labcorp Genetics (formerly Invitae), Labcorp); PubMed 16199547 (cited by Labcorp Genetics (formerly Invitae), Labcorp); PubMed 10712197 (cited by Labcorp Genetics (formerly Invitae), Labcorp); PubMed 23913538 (cited by Labcorp Genetics (formerly Invitae), Labcorp).

NM_001042492.3(NF1):c.730+1G>C

Gene: NF1 (neurofibromin 1; plus strand). Cytogenetic location: 17q11.2.
Variant type: single nucleotide variant.
Coding change: c.730+1G>C on transcript NM_001042492.3 (MANE Select); the canonical splice donor site of the intron after coding-DNA position 730, G replaced by C.
Molecular consequence: splice donor variant.
Genome position (GRCh38, 1-based): chr17:31,181,786, G>C. VCF-style: chr17-31181786-G-C. GRCh37 (hg19) VCF-style: chr17-29508804-G-C.
Other names: c.730+1G>C (NM_000267.4, NM_001128147.3).
Identifiers: ClinVar variation 404459 (VCV000404459.6), dbSNP rs1060500274, ClinGen allele CA16615414.